The following is an entry in ClinVar:

ClinVar aggregate classification (germline): Uncertain significance. Review status: criteria provided, multiple submitters, no conflicts (2 of 4 stars). 2 submissions from 2 submitters: Uncertain significance (2). Last evaluated 2025-04-09.

Conditions:
Cardiovascular phenotype. Identifiers: MedGen CN230736.
Hypertrophic cardiomyopathy 13. Also called: TNNC1-Related Familial Hypertrophic Cardiomyopathy. Identifiers: MedGen C2750472, MONDO:0013195, OMIM 613243.
Dilated cardiomyopathy 1Z (CMD1Z). Identifiers: Orphanet 154, MedGen C2678475, MONDO:0012745, OMIM 611879.

gnomAD v4.1: 2 of 1,614,112 alleles (0.00012%); highest among the groups gnomAD compares: Admixed American, 0.0033%; no homozygotes.

Submissions (2):

Molecular Diagnostic Laboratory for Inherited Cardiovascular Disease, Montreal Heart Institute
Classification: Uncertain significance for Cardiovascular phenotype. Last evaluated: 2025-04-09. Review status: criteria provided, single submitter. Criteria: ACMG Guidelines, 2015. Collection method: clinical testing. Allele origin: germline. Affected: yes.
Comment: PM2, BP4

Labcorp Genetics (formerly Invitae), Labcorp
Classification: Uncertain significance for Hypertrophic cardiomyopathy 13; Dilated cardiomyopathy 1Z. Last evaluated: 2025-03-11. Review status: criteria provided, single submitter. Criteria: Invitae Variant Classification Sherloc (09022015). Collection method: clinical testing. Allele origin: germline.
Comment: This sequence change replaces lysine, which is basic and polar, with arginine, which is basic and polar, at codon 92 of the TNNC1 protein (p.Lys92Arg). This variant is present in population databases (no rsID available, gnomAD 0.006%). This variant has not been reported in the literature in individuals affected with TNNC1-related conditions. An algorithm developed to predict the effect of missense changes on protein structure and function (PolyPhen-2) suggests that this variant is likely to be tolerated. In summary, the available evidence is currently insufficient to determine the role of this variant in disease. Therefore, it has been classified as a Variant of Uncertain Significance.

NM_003280.3(TNNC1):c.275A>G (p.Lys92Arg)

Gene: TNNC1 (troponin C1, slow skeletal and cardiac type; minus strand). Cytogenetic location: 3p21.1.
Variant type: single nucleotide variant.
Coding change: c.275A>G on transcript NM_003280.3 (MANE Select); coding-DNA position 275, A replaced by G.
Protein change: p.Lys92Arg; replaces lysine 92 with arginine.
Molecular consequence: missense variant.
Genome position (GRCh38, 1-based): chr3:52,451,786, T>C on the plus strand (A>G on the coding strand, the complement: TNNC1 is on the minus strand). VCF-style: chr3-52451786-T-C. GRCh37 (hg19) VCF-style: chr3-52485802-T-C.
Other names: short protein forms K92R.
Identifiers: ClinVar variation 3895341 (VCV003895341.2), dbSNP rs1334408291.